The following is an entry in ClinVar:

NM_014244.5(ADAMTS2):c.100_101insTGTCTCTTAT (p.Pro34fs)

Gene: ADAMTS2 (ADAM metallopeptidase with thrombospondin type 1 motif 2; minus strand). Cytogenetic location: 5q35.3.
Variant type: Insertion.
Coding change: c.100_101insTGTCTCTTAT on transcript NM_014244.5 (MANE Select); coding-DNA positions 100 to 101, TGTCTCTTAT inserted.
Protein change: p.Pro34fs; shifts the reading frame from proline 34.
Molecular consequence: frameshift variant.
Genome position: GRCh38 VCF-style: chr5-179345228-G-GATAAGAGACA. GRCh37 (hg19) VCF-style: chr5-178772229-G-GATAAGAGACA.
Other names: c.100_101insTGTCTCTTAT, p.Pro34fs (NM_021599.4); short protein forms P34fs.
Identifiers: ClinVar variation 5016399 (VCV005016399.1).

ClinVar aggregate classification (germline): Pathogenic (1 of 4 stars; one submission).

Conditions:
Ehlers-Danlos syndrome, dermatosparaxis type. Also called: EDS VIIC; Dermatosparaxis; Ehlers-Danlos syndrome, type VII, autosomal recessive. Identifiers: Orphanet 1901, MedGen C2700425, MONDO:0009161, OMIM 225410.

Submission:

Myriad Genetics, Inc.
Classification: Pathogenic for Ehlers-Danlos syndrome, dermatosparaxis type. Last evaluated: 2024-05-14. Review status: criteria provided, single submitter. Criteria: Myriad Autosomal Dominant, Autosomal Recessive and X-Linked Classification Criteria (2023). Collection method: clinical testing. Allele origin: unknown.
Comment: NM_014244.4(ADAMTS2):c.100_101ins10(P34Lfs*35) is expected to be pathogenic in the context of Ehlers-Danlos syndrome, ADAMTS2-related. This variant is predicted to lead to an abnormal or absent protein product due to the creation of a premature termination codon in ADAMTS2, a gene where loss-of-function variants are known to be pathogenic. Please note: this variant was assessed in the context of healthy population screening.